The following is an entry in ClinVar:

ClinVar aggregate classification (germline): Uncertain significance (1 of 4 stars; one submission).

Allele frequency attached by ClinVar (database versions not stated): ExAC 0.00002; gnomAD 0.00002; gnomAD exomes 0.00002 and 0.00008; TOPMed 0.00002.
gnomAD v4.1: 88 of 1,209,003 alleles (0.0073%); highest among the groups gnomAD compares: Middle Eastern, 0.023%; no homozygotes.

Submission:

Labcorp Genetics (formerly Invitae), Labcorp
Classification: Uncertain significance. Last evaluated: 2021-10-13. Review status: criteria provided, single submitter. Criteria: Invitae Variant Classification Sherloc (09022015). Collection method: clinical testing. Allele origin: germline.
Comment: Algorithms developed to predict the effect of missense changes on protein structure and function are either unavailable or do not agree on the potential impact of this missense change (SIFT: "Tolerated"; PolyPhen-2: "Probably Damaging"; Align-GVGD: "Class C0"). This sequence change replaces glycine with serine at codon 1079 of the COL4A6 protein (p.Gly1079Ser). The glycine residue is highly conserved and there is a small physicochemical difference between glycine and serine. This variant is present in population databases (rs765061986, ExAC 0.02%). This variant has not been reported in the literature in individuals affected with COL4A6-related conditions. In summary, the available evidence is currently insufficient to determine the role of this variant in disease. Therefore, it has been classified as a Variant of Uncertain Significance.

NM_033641.4(COL4A6):c.3232G>A (p.Gly1078Ser)

Gene: COL4A6 (collagen type IV alpha 6 chain; minus strand). Cytogenetic location: Xq22.3.
Variant type: single nucleotide variant.
Coding change: c.3232G>A on transcript NM_033641.4 (MANE Select); coding-DNA position 3232, G replaced by A.
Protein change: p.Gly1078Ser; replaces glycine 1078 with serine.
Molecular consequence: missense variant.
Genome position (GRCh38, 1-based): chrX:108,171,432, C>T on the plus strand (G>A on the coding strand, the complement: COL4A6 is on the minus strand). VCF-style: chrX-108171432-C-T. GRCh37 (hg19) VCF-style: chrX-107414662-C-T.
Other names: c.3283G>A, p.Gly1095Ser (NM_001287758.2); c.3232G>A, p.Gly1078Ser (NM_001287759.2, NM_001287760.2); c.3235G>A, p.Gly1079Ser (NM_001847.4); short protein forms G1095S, G1078S, G1079S.
Identifiers: ClinVar variation 1521705 (VCV001521705.6), dbSNP rs765061986, ClinGen allele CA10487460.
Genomic context (GRCh38, chrX:108,171,432, plus strand): 5'-ATATAGCAACCTTACCTTTAAAACCAGATTCGCCAGGCTGTCCCTTGGGTCCTGGGCTAC[C>T]GGAAATTTCAACTGTCTGGCCGTTGTCTCCTGAGGATTCCAATACATTGTTTAAATGGCC-3'
Protein context (NP_378667.1, residues 1068-1088): GDNGQTVEIS[Gly1078Ser]SPGPKGQPGE